The following is an entry in ClinVar:

NM_014629.4(ARHGEF10):c.502G>T (p.Asp168Tyr)

Gene: ARHGEF10 (Rho guanine nucleotide exchange factor 10; plus strand). Cytogenetic location: 8p23.3.
Variant type: single nucleotide variant.
Coding change: c.502G>T on transcript NM_014629.4 (MANE Select); coding-DNA position 502, G replaced by T.
Protein change: p.Asp168Tyr; replaces aspartic acid 168 with tyrosine.
Molecular consequence: missense variant.
Genome position (GRCh38, 1-based): chr8:1,864,393, G>T. VCF-style: chr8-1864393-G-T. GRCh37 (hg19) VCF-style: chr8-1812559-G-T.
Other names: c.505G>T, p.Asp169Tyr (NM_001308152.2, NM_001308153.3); short protein forms D193Y, D168Y, D169Y.
Identifiers: ClinVar variation 2986813 (VCV002986813.3), dbSNP rs775232409, ClinGen allele CA369956719.
Genomic context (GRCh38, chr8:1,864,393, plus strand): 5'-TCAGGCGTAAAGCAGCATCACATATTTTCTTTCCCAGCAGAAACACCAGAAGTCACAGAA[G>T]ATCGCCAGCCCAATTCTCTGAGTTCCGAGGAGCCTCCAACCAGGTATCTGCATCCGTCTT-3'
Protein context (NP_055444.2, residues 158-178): DEEETPEVTE[Asp168Tyr]RQPNSLSSEE

ClinVar aggregate classification (germline): Uncertain significance (1 of 4 stars; one submission).

Allele frequency attached by ClinVar (database versions not stated): gnomAD exomes below 0.00001.
gnomAD v4.1: 1 of 1,614,164 alleles (0.000062%); highest among the groups gnomAD compares: Non-Finnish European, 0.000085%; no homozygotes.

Submission:

Labcorp Genetics (formerly Invitae), Labcorp
Classification: Uncertain significance. Last evaluated: 2024-01-06. Review status: criteria provided, single submitter. Criteria: Invitae Variant Classification Sherloc (09022015). Collection method: clinical testing. Allele origin: germline.
Comment: This sequence change replaces aspartic acid, which is acidic and polar, with tyrosine, which is neutral and polar, at codon 168 of the ARHGEF10 protein (p.Asp168Tyr). This variant is present in population databases (no rsID available, gnomAD 0.0009%). This variant has not been reported in the literature in individuals affected with ARHGEF10-related conditions. An algorithm developed to predict the effect of missense changes on protein structure and function (PolyPhen-2) suggests that this variant is likely to be disruptive. In summary, the available evidence is currently insufficient to determine the role of this variant in disease. Therefore, it has been classified as a Variant of Uncertain Significance.